The following is an entry in ClinVar:

ClinVar aggregate classification (germline): Conflicting classifications of pathogenicity. Review status: criteria provided, conflicting classifications (1 of 4 stars). 2 submissions from 2 submitters: Uncertain significance (1); Likely benign (1). Last evaluated 2024-12-15.

Conditions:
Inborn genetic diseases. Identifiers: MedGen C0950123, MeSH D030342.
Early-infantile DEE. Also called: Early infantile epileptic encephalopathy with suppression bursts; Early infantile epileptic encephalopathy; Ohtahara syndrome. Identifiers: Orphanet 1934, MedGen C0393706, MONDO:0800491.

gnomAD v4.1: 23 of 1,613,240 alleles (0.0014%); highest among the groups gnomAD compares: Non-Finnish European, 0.0019%; no homozygotes.

Submissions (2):

Labcorp Genetics (formerly Invitae), Labcorp
Classification: Uncertain significance for Early-infantile DEE. Last evaluated: 2024-12-15. Review status: criteria provided, single submitter. Criteria: Invitae Variant Classification Sherloc (09022015). Collection method: clinical testing. Allele origin: germline.
Comment: This sequence change replaces proline, which is neutral and non-polar, with leucine, which is neutral and non-polar, at codon 751 of the HCN1 protein (p.Pro751Leu). This variant is present in population databases (no rsID available, gnomAD 0.002%). This variant has not been reported in the literature in individuals affected with HCN1-related conditions. ClinVar contains an entry for this variant (Variation ID: 2398014). Invitae Evidence Modeling of protein sequence and biophysical properties (such as structural, functional, and spatial information, amino acid conservation, physicochemical variation, residue mobility, and thermodynamic stability) indicates that this missense variant is not expected to disrupt HCN1 protein function with a negative predictive value of 95%. In summary, the available evidence is currently insufficient to determine the role of this variant in disease. Therefore, it has been classified as a Variant of Uncertain Significance.

Ambry Genetics
Classification: Likely benign for Inborn genetic diseases. Last evaluated: 2022-11-03. Review status: criteria provided, single submitter. Criteria: Ambry Variant Classification Scheme 2023. Collection method: clinical testing. Allele origin: germline.

NM_021072.4(HCN1):c.2252C>T (p.Pro751Leu)

Gene: HCN1 (hyperpolarization activated cyclic nucleotide gated potassium channel 1; minus strand). Cytogenetic location: 5p12.
Variant type: single nucleotide variant.
Coding change: c.2252C>T on transcript NM_021072.4 (MANE Select); coding-DNA position 2252, C replaced by T.
Protein change: p.Pro751Leu; replaces proline 751 with leucine.
Molecular consequence: missense variant.
Genome position (GRCh38, 1-based): chr5:45,262,342, G>A on the plus strand (C>T on the coding strand, the complement: HCN1 is on the minus strand). VCF-style: chr5-45262342-G-A. GRCh37 (hg19) VCF-style: chr5-45262444-G-A.
Other names: short protein forms P751L.
Identifiers: ClinVar variation 2398014 (VCV002398014.5), dbSNP rs1052640717, ClinGen allele CA118278367.